The following is an entry in ClinVar:

NM_014585.6(SLC40A1):c.1681A>G (p.Arg561Gly)

Gene: SLC40A1 (solute carrier family 40 member 1; minus strand). Cytogenetic location: 2q32.2.
Variant type: single nucleotide variant.
Coding change: c.1681A>G on transcript NM_014585.6 (MANE Select); coding-DNA position 1681, A replaced by G.
Protein change: p.Arg561Gly; replaces arginine 561 with glycine.
Molecular consequence: missense variant.
Genome position (GRCh38, 1-based): chr2:189,561,913, T>C on the plus strand (A>G on the coding strand, the complement: SLC40A1 is on the minus strand). VCF-style: chr2-189561913-T-C. GRCh37 (hg19) VCF-style: chr2-190426639-T-C.
Other names: short protein forms R561G.
Identifiers: ClinVar variation 534236 (VCV000534236.30), dbSNP rs11568346, ClinGen allele CA2024029.
Genomic context (GRCh38, chr2:189,561,913, plus strand): 5'-ACAGGATAGCAACAGTTAAACTGTCTCAAACAACAGATGTATTTGCTTGATTTTCCTTCC[T>C]AACTTCTTTTGCATCAGGACCGCAAGCAAAGAGCTTGTTTCCCAGAGTATTTTGGGCAAA-3'
Protein context (NP_055400.1, residues 551-571): FACGPDAKEV[Arg561Gly]KENQANTSVV

ClinVar aggregate classification (germline): Benign/Likely benign. Review status: criteria provided, multiple submitters, no conflicts (2 of 4 stars). 5 submissions from 5 submitters: Benign (4); Likely benign (1). Last evaluated 2026-01-20.

Conditions:
Hemochromatosis type 4 (HFE4). Also called: HEMOCHROMATOSIS DUE TO DEFECT IN FERROPORTIN; HEMOCHROMATOSIS, AUTOSOMAL DOMINANT; Ferroportin disease. Identifiers: Orphanet 139491, Orphanet 647834, Orphanet 648562, MedGen C1853733, MONDO:0011631, OMIM 606069.

Allele frequency attached by ClinVar (database versions not stated): gnomAD exomes 0.00043 and 0.00121; ExAC 0.00154; gnomAD 0.00459 and 0.00497; TOPMed 0.00507; ESP Exome Variant Server 0.00523; 1000 Genomes Project 0.00559; 1000 Genomes Project 30x 0.00656.
gnomAD v4.1: 1,378 of 1,614,156 alleles (0.085%); highest among the groups gnomAD compares: African/African-American, 1.6%; 16 homozygotes.

Submissions (5):

Labcorp Genetics (formerly Invitae), Labcorp
Classification: Benign for Hemochromatosis type 4. Last evaluated: 2026-01-20. Review status: criteria provided, single submitter. Criteria: Invitae Variant Classification Sherloc (09022015). Collection method: clinical testing. Allele origin: germline.

CeGaT Center for Human Genetics Tuebingen
Classification: Benign. Last evaluated: 2024-11-01. Review status: criteria provided, single submitter. Criteria: CeGaT Center For Human Genetics Tuebingen Variant Classification Criteria Version 2. Collection method: clinical testing. Allele origin: germline. Affected: yes. Observed: 1 variant allele.
Comment: SLC40A1: BP4, BS1, BS2

Blueprint Genetics
Classification: Likely benign. Last evaluated: 2024-10-08. Review status: criteria provided, single submitter. Criteria: ACMG Guidelines, 2015. Collection method: clinical testing. Allele origin: germline.

Illumina Laboratory Services, Illumina
Classification: Benign for Hemochromatosis type 4. Last evaluated: 2018-01-12. Review status: criteria provided, single submitter. Criteria: ICSL Variant Classification Criteria 13 December 2019. Collection method: clinical testing. Allele origin: germline.
Comment: This variant was observed in the ICSL laboratory as part of a predisposition screen in an ostensibly healthy population. It had not been previously curated by ICSL or reported in the Human Gene Mutation Database (HGMD: prior to June 1st, 2018), and was therefore a candidate for classification through an automated scoring system. Utilizing variant allele frequency, disease prevalence and penetrance estimates, and inheritance mode, an automated score was calculated to assess if this variant is too frequent to cause the disease. Based on the score and internal cut-off values, a variant classified as benign is not then subjected to further curation. The score for this variant resulted in a classification of benign for this disease.

Breakthrough Genomics
Classification: Benign. Review status: criteria provided, single submitter. Criteria: ACMG Guidelines, 2015. Collection method: not provided. Allele origin: germline. Inheritance: Autosomal dominant inheritance. Affected: yes.